The following is an entry in ClinVar:

NM_001039141.3(TRIOBP):c.5713G>A (p.Ala1905Thr)

Gene: TRIOBP (TRIO and F-actin binding protein; plus strand). Cytogenetic location: 22q13.1.
Variant type: single nucleotide variant.
Coding change: c.5713G>A on transcript NM_001039141.3 (MANE Select); coding-DNA position 5713, G replaced by A.
Protein change: p.Ala1905Thr; replaces alanine 1905 with threonine.
Molecular consequence: missense variant.
Genome position (GRCh38, 1-based): chr22:37,757,638, G>A. VCF-style: chr22-37757638-G-A. GRCh37 (hg19) VCF-style: chr22-38153645-G-A.
Other names: c.5713G>A (NM_001039141.2); c.574G>A, p.Ala192Thr (NM_007032.5, NM_138632.2); short protein forms A1905T, A192T.
Identifiers: ClinVar variation 2068221 (VCV002068221.5), dbSNP rs962246149, ClinGen allele CA324160280.

ClinVar aggregate classification (germline): Conflicting classifications of pathogenicity. Review status: criteria provided, conflicting classifications (1 of 4 stars). 2 submissions from 2 submitters: Uncertain significance (1); Likely benign (1). Last evaluated 2025-05-29.

Conditions:
Inborn genetic diseases. Identifiers: MedGen C0950123, MeSH D030342.

Allele frequency attached by ClinVar (database versions not stated): gnomAD exomes below 0.00001; TOPMed 0.00002; gnomAD 0.00003.
gnomAD v4.1: 11 of 1,588,964 alleles (0.00069%); highest among the groups gnomAD compares: African/African-American, 0.0081%; no homozygotes.

Submissions (2):

Ambry Genetics
Classification: Likely benign for Inborn genetic diseases. Last evaluated: 2025-05-29. Review status: criteria provided, single submitter. Criteria: Ambry Variant Classification Scheme 2023. Collection method: clinical testing. Allele origin: germline.

Labcorp Genetics (formerly Invitae), Labcorp
Classification: Uncertain significance. Last evaluated: 2022-08-31. Review status: criteria provided, single submitter. Criteria: Invitae Variant Classification Sherloc (09022015). Collection method: clinical testing. Allele origin: germline.
Comment: In summary, the available evidence is currently insufficient to determine the role of this variant in disease. Therefore, it has been classified as a Variant of Uncertain Significance. This sequence change replaces alanine, which is neutral and non-polar, with threonine, which is neutral and polar, at codon 1905 of the TRIOBP protein (p.Ala1905Thr). The frequency data for this variant in the population databases is considered unreliable, as metrics indicate poor data quality at this position in the gnomAD database. This variant has not been reported in the literature in individuals affected with TRIOBP-related conditions. Algorithms developed to predict the effect of missense changes on protein structure and function output the following: SIFT: "Tolerated"; PolyPhen-2: "Benign"; Align-GVGD: "Class C0". The threonine amino acid residue is found in multiple mammalian species, which suggests that this missense change does not adversely affect protein function.